The following is an entry in ClinVar:

ClinVar aggregate classification (germline): Conflicting classifications of pathogenicity. Review status: criteria provided, conflicting classifications (1 of 4 stars). 5 submissions from 5 submitters: Uncertain significance (2); Likely benign (2). 1 of the submissions does not count toward it. Last evaluated 2024-05-01.

Conditions:
Inborn genetic diseases. Identifiers: MedGen C0950123, MeSH D030342.
Usher syndrome type 2A. Also called: USHER SYNDROME, TYPE IIA; RETINAL DISEASE IN USHER SYNDROME TYPE IIA, MODIFIER OF. Identifiers: Orphanet 231178, Orphanet 886, MedGen C1848634, MONDO:0010169, OMIM 276901.
Retinitis pigmentosa 39 (RP39). Identifiers: Orphanet 791, MedGen C3151138, MONDO:0013436, OMIM 613809.

Allele frequency attached by ClinVar (database versions not stated): TOPMed 0.00001; ExAC 0.00002; gnomAD exomes 0.00002.

Submissions (5):

Ambry Genetics
Classification: Likely benign for Inborn genetic diseases. Last evaluated: 2024-05-01. Review status: criteria provided, single submitter. Criteria: Ambry Variant Classification Scheme 2023. Collection method: clinical testing. Allele origin: germline.

Blueprint Genetics
Classification: Uncertain significance. Last evaluated: 2024-01-22. Review status: criteria provided, single submitter. Criteria: ACMG Guidelines, 2015. Collection method: clinical testing. Allele origin: germline.

Labcorp Genetics (formerly Invitae), Labcorp
Classification: Uncertain significance. Last evaluated: 2022-07-19. Review status: criteria provided, single submitter. Criteria: Invitae Variant Classification Sherloc (09022015). Collection method: clinical testing. Allele origin: germline.
Comment: This sequence change replaces threonine, which is neutral and polar, with methionine, which is neutral and non-polar, at codon 3506 of the USH2A protein (p.Thr3506Met). This variant is present in population databases (rs397517966, gnomAD 0.02%). This variant has not been reported in the literature in individuals affected with USH2A-related conditions. ClinVar contains an entry for this variant (Variation ID: 48349). Algorithms developed to predict the effect of missense changes on protein structure and function output the following: SIFT: "Tolerated"; PolyPhen-2: "Benign"; Align-GVGD: "Class C0". The methionine amino acid residue is found in multiple mammalian species, which suggests that this missense change does not adversely affect protein function. In summary, the available evidence is currently insufficient to determine the role of this variant in disease. Therefore, it has been classified as a Variant of Uncertain Significance.

Laboratory for Molecular Medicine, Mass General Brigham Personalized Medicine
Classification: Likely benign. Last evaluated: 2011-07-07. Review status: criteria provided, single submitter. Criteria: LMM Criteria. Collection method: clinical testing. Allele origin: germline. Observed: 1 variant allele.
Comment: Thr3506Met in exon 53 of USH2A: This variant is not expected to have clinical si gnificance because computational analyses (PolyPhen, SIFT, AlignGVGD, MAPP) do n ot suggest a high likelihood of impact to the protein primarily based upon a lac k of conservation across species including mammals. Of note, chimp and orangutan have a methionine at this position despite high nearby amino acid conservation.

Counsyl
Classification: Uncertain significance for Usher syndrome type 2A; Retinitis pigmentosa 39. Last evaluated: 2017-09-12. Review status: no assertion criteria provided. Collection method: clinical testing. Allele origin: unknown. Not counted in ClinVar's aggregate classification.

NM_206933.4(USH2A):c.10517C>T (p.Thr3506Met)

Gene: USH2A (usherin; minus strand). Cytogenetic location: 1q41.
Variant type: single nucleotide variant.
Coding change: c.10517C>T on transcript NM_206933.4 (MANE Select); coding-DNA position 10517, C replaced by T.
Protein change: p.Thr3506Met; replaces threonine 3506 with methionine.
Molecular consequence: missense variant.
Genome position (GRCh38, 1-based): chr1:215,782,806, G>A on the plus strand (C>T on the coding strand, the complement: USH2A is on the minus strand). VCF-style: chr1-215782806-G-A. GRCh37 (hg19) VCF-style: chr1-215956148-G-A.
Other names: short protein forms T3506M.
Identifiers: ClinVar variation 48349 (VCV000048349.11), dbSNP rs397517966, ClinGen allele CA143221.